The following is an entry in ClinVar:

NM_004304.5(ALK):c.2813T>C (p.Ile938Thr)

Gene: ALK (ALK receptor tyrosine kinase; minus strand). Cytogenetic location: 2p23.2.
Variant type: single nucleotide variant.
Coding change: c.2813T>C on transcript NM_004304.5 (MANE Select); coding-DNA position 2813, T replaced by C.
Protein change: p.Ile938Thr; replaces isoleucine 938 with threonine.
Molecular consequence: missense variant.
Genome position (GRCh38, 1-based): chr2:29,228,886, A>G on the plus strand (T>C on the coding strand, the complement: ALK is on the minus strand). VCF-style: chr2-29228886-A-G. GRCh37 (hg19) VCF-style: chr2-29451752-A-G.
Other names: short protein forms I938T.
Identifiers: ClinVar variation 646716 (VCV000646716.15), dbSNP rs1280047183, ClinGen allele CA346469452.

ClinVar aggregate classification (germline): Uncertain significance. Review status: criteria provided, multiple submitters, no conflicts (2 of 4 stars). 3 submissions from 3 submitters: Uncertain significance (3). Last evaluated 2024-12-08.

Conditions:
Hereditary cancer-predisposing syndrome. Also called: Hereditary Cancer Syndrome; Tumor predisposition; Neoplastic Syndromes, Hereditary; Hereditary neoplastic syndrome. Identifiers: Orphanet 140162, MedGen C0027672, MeSH D009386, MONDO:0015356.
Neuroblastoma, susceptibility to, 3. Also called: ALK-Related Neuroblastic Tumor Susceptibility. Identifiers: Orphanet 635, MedGen C2751681, MONDO:0013083, OMIM 613014.

Allele frequency attached by ClinVar (database versions not stated): gnomAD exomes below 0.00001; TOPMed 0.00002; gnomAD 0.00003 and 0.00004.

Submissions (3):

Ambry Genetics
Classification: Uncertain significance for Hereditary cancer-predisposing syndrome. Last evaluated: 2024-12-08. Review status: criteria provided, single submitter. Criteria: Ambry Variant Classification Scheme 2023. Collection method: clinical testing. Allele origin: germline.
Comment: The p.I938T variant (also known as c.2813T>C), located in coding exon 16 of the ALK gene, results from a T to C substitution at nucleotide position 2813. The isoleucine at codon 938 is replaced by threonine, an amino acid with similar properties. This amino acid position is conserved. In addition, the in silico prediction for this alteration is inconclusive. Since supporting evidence is limited at this time, the clinical significance of this alteration remains unclear.

Labcorp Genetics (formerly Invitae), Labcorp
Classification: Uncertain significance for Neuroblastoma, susceptibility to, 3. Last evaluated: 2024-12-03. Review status: criteria provided, single submitter. Criteria: Invitae Variant Classification Sherloc (09022015). Collection method: clinical testing. Allele origin: germline.
Comment: This sequence change replaces isoleucine, which is neutral and non-polar, with threonine, which is neutral and polar, at codon 938 of the ALK protein (p.Ile938Thr). This variant is present in population databases (no rsID available, gnomAD 0.01%). This variant has not been reported in the literature in individuals affected with ALK-related conditions. ClinVar contains an entry for this variant (Variation ID: 646716). An algorithm developed to predict the effect of missense changes on protein structure and function (PolyPhen-2) suggests that this variant is likely to be disruptive. In summary, the available evidence is currently insufficient to determine the role of this variant in disease. Therefore, it has been classified as a Variant of Uncertain Significance.

Baylor Genetics
Classification: Uncertain significance for Neuroblastoma, susceptibility to, 3. Last evaluated: 2023-11-22. Review status: criteria provided, single submitter. Criteria: ACMG Guidelines, 2015. Collection method: clinical testing. Allele origin: unknown.